The following is an entry in ClinVar:

NM_001367624.2(ZNF469):c.9821G>A (p.Arg3274Gln)

Gene: ZNF469 (zinc finger protein 469; plus strand). Cytogenetic location: 16q24.2.
Variant type: single nucleotide variant.
Coding change: c.9821G>A on transcript NM_001367624.2 (MANE Select); coding-DNA position 9821, G replaced by A.
Protein change: p.Arg3274Gln; replaces arginine 3274 with glutamine.
Molecular consequence: missense variant.
Genome position (GRCh38, 1-based): chr16:88,437,291, G>A. VCF-style: chr16-88437291-G-A. GRCh37 (hg19) VCF-style: chr16-88503699-G-A.
Other names: NM_001127464.1:c.9737G>A; short protein forms R3274Q.
Identifiers: ClinVar variation 2626105 (VCV002626105.5), dbSNP rs774519167, ClinGen allele CA8225455.

ClinVar aggregate classification (germline): Uncertain significance. Review status: criteria provided, multiple submitters, no conflicts (2 of 4 stars). 3 submissions from 3 submitters: Uncertain significance (3). Last evaluated 2025-10-06.

Conditions:
Cardiovascular phenotype. Identifiers: MedGen CN230736.

Allele frequency attached by ClinVar (database versions not stated): gnomAD exomes below 0.00001; gnomAD 0.00001; TOPMed 0.00001; ExAC 0.00008.
gnomAD v4.1: 6 of 1,547,550 alleles (0.00039%); highest among the groups gnomAD compares: African/African-American, 0.0041%; no homozygotes.

Submissions (3):

Labcorp Genetics (formerly Invitae), Labcorp
Classification: Uncertain significance. Last evaluated: 2025-10-06. Review status: criteria provided, single submitter. Criteria: Invitae Variant Classification Sherloc (09022015). Collection method: clinical testing. Allele origin: germline.
Comment: This sequence change replaces arginine, which is basic and polar, with glutamine, which is neutral and polar, at codon 3246 of the ZNF469 protein (p.Arg3246Gln). This variant is present in population databases (rs774519167, gnomAD 0.02%). This variant has not been reported in the literature in individuals affected with ZNF469-related conditions. ClinVar contains an entry for this variant (Variation ID: 2626105). An algorithm developed to predict the effect of missense changes on protein structure and function (PolyPhen-2) suggests that this variant is likely to be tolerated. In summary, the available evidence is currently insufficient to determine the role of this variant in disease. Therefore, it has been classified as a Variant of Uncertain Significance.

Women's Health and Genetics/Laboratory Corporation of America, LabCorp
Classification: Uncertain significance. Last evaluated: 2025-01-06. Review status: criteria provided, single submitter. Criteria: LabCorp Variant Classification Summary - May 2015. Collection method: clinical testing. Allele origin: germline.
Comment: Variant summary: ZNF469 c.9821G>A (p.Arg3274Gln) results in a conservative amino acid change in the encoded protein sequence. Four of four in-silico tools predict a benign effect of the variant on protein function. The variant allele was found at a frequency of 7.1e-06 in 141444 control chromosomes (gnomAD). The available data on variant occurrences in the general population are insufficient to allow any conclusion about variant significance. To our knowledge, no occurrence of c.9821G>A in individuals affected with Brittle cornea syndrome 1 and no experimental evidence demonstrating its impact on protein function have been reported. ClinVar contains an entry for this variant (Variation ID: 2626105). Based on the evidence outlined above, the variant was classified as uncertain significance.

Ambry Genetics
Classification: Uncertain significance for Cardiovascular phenotype. Last evaluated: 2023-06-22. Review status: criteria provided, single submitter. Criteria: Ambry Variant Classification Scheme 2023. Collection method: clinical testing. Allele origin: germline.
Comment: The p.R3246Q variant (also known as c.9737G>A), located in coding exon 2 of the ZNF469 gene, results from a G to A substitution at nucleotide position 9737. The arginine at codon 3246 is replaced by glutamine, an amino acid with highly similar properties. This amino acid position is conserved. In addition, this alteration is predicted to be tolerated by in silico analysis. Since supporting evidence is limited at this time, the clinical significance of this alteration remains unclear.